The following is an entry in ClinVar:

ClinVar aggregate classification (germline): Uncertain significance (1 of 4 stars; one submission).

gnomAD v4.1: 2 of 1,612,870 alleles (0.00012%); highest among the groups gnomAD compares: Admixed American, 0.0033%; no homozygotes.

Submission:

Women's Health and Genetics/Laboratory Corporation of America, LabCorp
Classification: Uncertain significance. Last evaluated: 2025-02-18. Review status: criteria provided, single submitter. Criteria: LabCorp Variant Classification Summary - May 2015. Collection method: clinical testing. Allele origin: germline.
Comment: Variant summary: OBSL1 c.4868T>A (p.Ile1623Asn) results in a non-conservative amino acid change located in the immunoglobulin domain (IPR003599) of the encoded protein sequence. Four of five in-silico tools predict a benign effect of the variant on protein function. The variant was absent in 245968 control chromosomes. The available data on variant occurrences in the general population are insufficient to allow any conclusion about variant significance. To our knowledge, no occurrence of c.4868T>A in individuals affected with Three M Syndrome 2 and no experimental evidence demonstrating its impact on protein function have been reported. No submitters have cited clinical-significance assessments for this variant to ClinVar. Based on the evidence outlined above, the variant was classified as uncertain significance.

NM_015311.3(OBSL1):c.4868T>A (p.Ile1623Asn)

Gene: OBSL1 (obscurin like cytoskeletal adaptor 1; minus strand). Cytogenetic location: 2q35.
Variant type: single nucleotide variant.
Coding change: c.4868T>A on transcript NM_015311.3 (MANE Select); coding-DNA position 4868, T replaced by A.
Protein change: p.Ile1623Asn; replaces isoleucine 1623 with asparagine.
Molecular consequence: missense variant.
Genome position (GRCh38, 1-based): chr2:219,554,482, A>T on the plus strand (T>A on the coding strand, the complement: OBSL1 is on the minus strand). VCF-style: chr2-219554482-A-T. GRCh37 (hg19) VCF-style: chr2-220419204-A-T.
Other names: short protein forms I1623N.
Identifiers: ClinVar variation 3768998 (VCV003768998.1).